The following is an entry in ClinVar:

ClinVar aggregate classification (germline): Uncertain significance (1 of 4 stars; one submission).

Allele frequency attached by ClinVar (database versions not stated): gnomAD exomes below 0.00001; ExAC 0.00001; gnomAD 0.00001; TOPMed 0.00001.
gnomAD v4.1: 5 of 1,613,714 alleles (0.00031%); highest among the groups gnomAD compares: African/African-American, 0.004%; no homozygotes.

Submission:

Ambry Genetics
Classification: Uncertain significance. Last evaluated: 2021-09-15. Review status: criteria provided, single submitter. Criteria: Ambry Variant Classification Scheme 2023. Collection method: clinical testing. Allele origin: germline.
Comment: The p.N606S variant (also known as c.1817A>G), located in coding exon 10 of the PKP4 gene, results from an A to G substitution at nucleotide position 1817. The asparagine at codon 606 is replaced by serine, an amino acid with highly similar properties. This amino acid position is conserved. In addition, the in silico prediction for this alteration is inconclusive. Since supporting evidence is limited at this time, the clinical significance of this alteration remains unclear.

NM_003628.6(PKP4):c.1817A>G (p.Asn606Ser)

Gene: PKP4 (plakophilin 4; plus strand). Cytogenetic location: 2q24.1.
Variant type: single nucleotide variant.
Coding change: c.1817A>G on transcript NM_003628.6 (MANE Select); coding-DNA position 1817, A replaced by G.
Protein change: p.Asn606Ser; replaces asparagine 606 with serine.
Molecular consequence: missense variant.
Genome position (GRCh38, 1-based): chr2:158,642,607, A>G. VCF-style: chr2-158642607-A-G. GRCh37 (hg19) VCF-style: chr2-159499119-A-G.
Other names: c.1817A>G, p.Asn606Ser (NM_001005476.4, NM_001304971.2, NM_001377218.1 and 1 more transcripts); c.1814A>G, p.Asn605Ser (NM_001304969.3, NM_001377219.1, NM_001377220.1 and 2 more transcripts); c.788A>G, p.Asn263Ser (NM_001304970.3); c.1811A>G, p.Asn604Ser (NM_001377222.1, NM_001377223.1); c.1808A>G, p.Asn603Ser (NM_001377224.1); short protein forms N263S, N603S, N604S, N605S, N606S.
Identifiers: ClinVar variation 1780684 (VCV001780684.2), dbSNP rs764881819, ClinGen allele CA1920810.